The following is an entry in ClinVar:

NM_001069.3(TUBB2A):c.7G>A (p.Glu3Lys)

Genes: TUBB2A (tubulin beta 2A class IIa; minus strand), LOC129995635 (ATAC-STARR-seq lymphoblastoid silent region 16846; plus strand). Cytogenetic location: 6p25.2.
Variant type: single nucleotide variant.
Coding change: c.7G>A on transcript NM_001069.3 (MANE Select); coding-DNA position 7, G replaced by A.
Protein change: p.Glu3Lys; replaces glutamic acid 3 with lysine.
Molecular consequence: missense variant. On other transcripts: 5 prime UTR variant (1).
Genome position (GRCh38, 1-based): chr6:3,157,457, C>T on the plus strand (G>A on the coding strand, the complement: TUBB2A is on the minus strand). VCF-style: chr6-3157457-C-T. GRCh37 (hg19) VCF-style: chr6-3157691-C-T.
Other names: c.-381G>A (NM_001310315.2); short protein forms E3K.
Identifiers: ClinVar variation 3342978 (VCV003342978.2).

ClinVar aggregate classification (germline): Uncertain significance (1 of 4 stars; one submission).

gnomAD v4.1: 1 of 1,540,842 alleles (0.000065%); highest among the groups gnomAD compares: East Asian, 0.0027%; no homozygotes.

Submission:

GeneDx
Classification: Uncertain significance. Last evaluated: 2025-08-12. Review status: criteria provided, single submitter. Criteria: GeneDx Variant Classification Process June 2021. Collection method: clinical testing. Allele origin: germline.
Comment: Not observed at significant frequency in large population cohorts (gnomAD); In silico analysis suggests that this missense variant does not alter protein structure/function; Has not been previously published as pathogenic or benign to our knowledge